The following is an entry in ClinVar:

NM_032578.4(MYPN):c.3107T>C (p.Val1036Ala)

Gene: MYPN (myopalladin; plus strand). Cytogenetic location: 10q21.3.
Variant type: single nucleotide variant.
Coding change: c.3107T>C on transcript NM_032578.4 (MANE Select); coding-DNA position 3107, T replaced by C.
Protein change: p.Val1036Ala; replaces valine 1036 with alanine.
Molecular consequence: missense variant. On other transcripts: non-coding transcript variant (2).
Genome position (GRCh38, 1-based): chr10:68,195,481, T>C. VCF-style: chr10-68195481-T-C. GRCh37 (hg19) VCF-style: chr10-69955238-T-C.
Other names: c.3107T>C, p.Val1036Ala (NM_001256267.2); c.2225T>C, p.Val742Ala (NM_001256268.2); short protein forms V1036A, V742A.
Identifiers: ClinVar variation 544042 (VCV000544042.8), dbSNP rs1554850184, ClinGen allele CA376857437.

ClinVar aggregate classification (germline): Uncertain significance (1 of 4 stars; one submission).

Conditions:
Dilated cardiomyopathy 1KK (CMD1KK). Identifiers: Orphanet 154, Orphanet 75249, MedGen C3714995, MONDO:0014100, OMIM 615248.

Submission:

Labcorp Genetics (formerly Invitae), Labcorp
Classification: Uncertain significance for Dilated cardiomyopathy 1KK. Last evaluated: 2017-12-17. Review status: criteria provided, single submitter. Criteria: Invitae Variant Classification Sherloc (09022015). Collection method: clinical testing. Allele origin: germline.
Comment: In summary, the available evidence is currently insufficient to determine the role of this variant in disease. Therefore, it has been classified as a Variant of Uncertain Significance. Algorithms developed to predict the effect of missense changes on protein structure and function do not agree on the potential impact of this missense change (SIFT: "Deleterious"; PolyPhen-2: "Probably Damaging"; Align-GVGD: "Class C0"). This variant has not been reported in the literature in individuals with MYPN-related disease. This variant is not present in population databases (ExAC no frequency). This sequence change replaces valine with alanine at codon 1036 of the MYPN protein (p.Val1036Ala). The valine residue is highly conserved and there is a small physicochemical difference between valine and alanine.